The following is an entry in ClinVar:

NM_000540.3(RYR1):c.7872_7873delinsTT (p.Arg2625Cys)

Gene: RYR1 (ryanodine receptor 1; plus strand). Cytogenetic location: 19q13.2.
Variant type: Indel.
Coding change: c.7872_7873delinsTT on transcript NM_000540.3 (MANE Select); coding-DNA positions 7872 to 7873, CC replaced by TT.
Protein change: p.Arg2625Cys; replaces arginine 2625 with cysteine.
Molecular consequence: missense variant.
Genome position (GRCh38, 1-based): chr19:38,502,916-38,502,917, CC replaced by TT. VCF-style: chr19-38502916-CC-TT. GRCh37 (hg19) VCF-style: chr19-38993556-CC-TT.
Other names: c.7872_7873delinsTT, p.Arg2625Cys (NM_001042723.2); short protein forms R2625C.
Identifiers: ClinVar variation 1355275 (VCV001355275.6), dbSNP rs2145620310, ClinGen allele CA2573156352.

ClinVar aggregate classification (germline): Uncertain significance (1 of 4 stars; one submission).

Conditions:
RYR1-related disorder. Also called: RYR1-related condition; RYR1-related disorders. Identifiers: MedGen CN239331.

Submission:

Labcorp Genetics (formerly Invitae), Labcorp
Classification: Uncertain significance for RYR1-related disorder. Last evaluated: 2025-09-03. Review status: criteria provided, single submitter. Criteria: Invitae Variant Classification Sherloc (09022015). Collection method: clinical testing. Allele origin: germline.
Comment: This sequence change replaces arginine, which is basic and polar, with cysteine, which is neutral and slightly polar, at codon 2625 of the RYR1 protein (p.Arg2625Cys). Information on the frequency of this variant in the gnomAD database is not available, as this variant may be reported differently in the database. This variant has not been reported in the literature in individuals affected with RYR1-related conditions. ClinVar contains an entry for this variant (Variation ID: 1355275). Experimental studies and prediction algorithms are not available or were not evaluated, and the functional significance of this variant is currently unknown. In summary, the available evidence is currently insufficient to determine the role of this variant in disease. Therefore, it has been classified as a Variant of Uncertain Significance.